The following is an entry in ClinVar:

ClinVar aggregate classification (germline): Conflicting classifications of pathogenicity. Review status: criteria provided, conflicting classifications (1 of 4 stars). 2 submissions from 2 submitters: Uncertain significance (1); Likely benign (1). Last evaluated 2021-04-19.

Conditions:
Severe combined immunodeficiency due to DNA-PKcs deficiency. Also called: IMMUNODEFICIENCY 26 WITH NEUROLOGIC ABNORMALITIES; Immunodeficiency 26 with or without neurologic abnormalities. Identifiers: Orphanet 317425, MedGen C4014833, MONDO:0014423, OMIM 615966.

Allele frequency attached by ClinVar (database versions not stated): TOPMed 0.00001; gnomAD 0.00003.
gnomAD v4.1: 6 of 1,612,220 alleles (0.00037%); highest among the groups gnomAD compares: African/African-American, 0.0013%; no homozygotes.

Submissions (2):

Labcorp Genetics (formerly Invitae), Labcorp
Classification: Uncertain significance for Severe combined immunodeficiency due to DNA-PKcs deficiency. Last evaluated: 2021-04-19. Review status: criteria provided, single submitter. Criteria: Invitae Variant Classification Sherloc (09022015). Collection method: clinical testing. Allele origin: germline.
Comment: This sequence change replaces valine with leucine at codon 3592 of the PRKDC protein (p.Val3592Leu). The valine residue is weakly conserved and there is a small physicochemical difference between valine and leucine. This variant is not present in population databases (ExAC no frequency). This variant has not been reported in the literature in individuals with PRKDC-related conditions. ClinVar contains an entry for this variant (Variation ID: 507807). Experimental studies and prediction algorithms are not available or were not evaluated, and the functional significance of this variant is currently unknown. In summary, the available evidence is currently insufficient to determine the role of this variant in disease. Therefore, it has been classified as a Variant of Uncertain Significance.

GeneDx
Classification: Likely benign. Last evaluated: 2017-03-02. Review status: criteria provided, single submitter. Criteria: GeneDx Variant Classification (06012015). Collection method: clinical testing. Allele origin: germline. Affected: yes.
Comment: This variant is considered likely benign or benign based on one or more of the following criteria: it is a conservative change, it occurs at a poorly conserved position in the protein, it is predicted to be benign by multiple in silico algorithms, and/or has population frequency not consistent with disease.

NM_006904.7(PRKDC):c.10774G>T (p.Val3592Leu)

Gene: PRKDC (protein kinase, DNA-activated, catalytic subunit; minus strand). Cytogenetic location: 8q11.21.
Variant type: single nucleotide variant.
Coding change: c.10774G>T on transcript NM_006904.7 (MANE Select); coding-DNA position 10774, G replaced by T.
Protein change: p.Val3592Leu; replaces valine 3592 with leucine.
Molecular consequence: missense variant.
Genome position (GRCh38, 1-based): chr8:47,789,034, C>A on the plus strand (G>T on the coding strand, the complement: PRKDC is on the minus strand). VCF-style: chr8-47789034-C-A. GRCh37 (hg19) VCF-style: chr8-48701595-C-A.
Other names: c.10774G>T, p.Val3592Leu (NM_001081640.2); short protein forms V3592L.
Identifiers: ClinVar variation 507807 (VCV000507807.4), dbSNP rs1490966994, ClinGen allele CA371132273.